The following is an entry in ClinVar:

ClinVar aggregate classification (germline): Uncertain significance (1 of 4 stars; one submission).

Submission:

Women's Health and Genetics/Laboratory Corporation of America, LabCorp
Classification: Uncertain significance. Last evaluated: 2024-05-30. Review status: criteria provided, single submitter. Criteria: LabCorp Variant Classification Summary - May 2015. Collection method: clinical testing. Allele origin: germline.
Comment: Variant summary: SLC26A4 c.1244G>A (p.Ser415Asn) results in a conservative amino acid change located in the SLC26A/SulP transporter domain (IPR011547) of the encoded protein sequence. Four of five in-silico tools predict a damaging effect of the variant on protein function. The variant was absent in 250806 control chromosomes. The available data on variant occurrences in the general population are insufficient to allow any conclusion about variant significance. To our knowledge, no occurrence of c.1244G>A in individuals affected with Pendred Syndrome and no experimental evidence demonstrating its impact on protein function have been reported. No submitters have cited clinical-significance assessments for this variant to ClinVar. Based on the evidence outlined above, the variant was classified as uncertain significance.

NM_000441.2(SLC26A4):c.1244G>A (p.Ser415Asn)

Gene: SLC26A4 (solute carrier family 26 member 4; plus strand). Cytogenetic location: 7q22.3.
Variant type: single nucleotide variant.
Coding change: c.1244G>A on transcript NM_000441.2 (MANE Select); coding-DNA position 1244, G replaced by A.
Protein change: p.Ser415Asn; replaces serine 415 with asparagine.
Molecular consequence: missense variant.
Genome position (GRCh38, 1-based): chr7:107,690,218, G>A. VCF-style: chr7-107690218-G-A. GRCh37 (hg19) VCF-style: chr7-107330663-G-A.
Other names: short protein forms S415N.
Identifiers: ClinVar variation 3336106 (VCV003336106.1).